The following is an entry in ClinVar:

NM_005529.7(HSPG2):c.1216C>T (p.Pro406Ser)

Gene: HSPG2 (heparan sulfate proteoglycan 2; minus strand). Cytogenetic location: 1p36.12.
Variant type: single nucleotide variant.
Coding change: c.1216C>T on transcript NM_005529.7 (MANE Select); coding-DNA position 1216, C replaced by T.
Protein change: p.Pro406Ser; replaces proline 406 with serine.
Molecular consequence: missense variant.
Genome position (GRCh38, 1-based): chr1:21,885,152, G>A on the plus strand (C>T on the coding strand, the complement: HSPG2 is on the minus strand). VCF-style: chr1-21885152-G-A. GRCh37 (hg19) VCF-style: chr1-22211645-G-A.
Other names: c.1216C>T, p.Pro406Ser (NM_001291860.2); c.1216C>T (NM_005529.5); short protein forms P406S.
Identifiers: ClinVar variation 4961633 (VCV004961633.2).

ClinVar aggregate classification (germline): Uncertain significance. Review status: criteria provided, multiple submitters, no conflicts (2 of 4 stars). 2 submissions from 2 submitters: Uncertain significance (2). Last evaluated 2026-03-30.

gnomAD v4.1: 51 of 1,607,842 alleles (0.0032%); highest among the groups gnomAD compares: East Asian, 0.11%; no homozygotes.

Submissions (2):

GeneDx
Classification: Uncertain significance. Last evaluated: 2026-03-30. Review status: criteria provided, single submitter. Criteria: GeneDx Variant Classification Process June 2021. Collection method: clinical testing. Allele origin: germline.
Comment: In silico analysis supports that this missense variant has a deleterious effect on protein structure/function; This variant is associated with the following publications: (PMID: 31667184, 33121425)

Blueprint Genetics
Classification: Uncertain significance. Last evaluated: 2024-08-26. Review status: criteria provided, single submitter. Criteria: ACMG Guidelines, 2015. Collection method: clinical testing. Allele origin: germline.